The following is an entry in ClinVar:

ClinVar aggregate classification (germline): Uncertain significance. Review status: criteria provided, multiple submitters, no conflicts (2 of 4 stars). 2 submissions from 2 submitters: Uncertain significance (2). Last evaluated 2025-06-22.

Conditions:
Inborn genetic diseases. Identifiers: MedGen C0950123, MeSH D030342.

Allele frequency attached by ClinVar (database versions not stated): gnomAD 0.00001; ExAC 0.00002; TOPMed 0.00003; ESP Exome Variant Server 0.00009.
gnomAD v4.1: 10 of 1,192,385 alleles (0.00084%); highest among the groups gnomAD compares: African/African-American, 0.0035%; no homozygotes.

Submissions (2):

Labcorp Genetics (formerly Invitae), Labcorp
Classification: Uncertain significance. Last evaluated: 2025-06-22. Review status: criteria provided, single submitter. Criteria: Invitae Variant Classification Sherloc (09022015). Collection method: clinical testing. Allele origin: germline.
Comment: This sequence change replaces threonine, which is neutral and polar, with alanine, which is neutral and non-polar, at codon 1237 of the POLA1 protein (p.Thr1237Ala). The frequency data for this variant in the population databases is considered unreliable, as metrics indicate poor data quality at this position in the gnomAD database. This variant has not been reported in the literature in individuals affected with POLA1-related conditions. ClinVar contains an entry for this variant (Variation ID: 1935870). Invitae Evidence Modeling of protein sequence and biophysical properties (such as structural, functional, and spatial information, amino acid conservation, physicochemical variation, residue mobility, and thermodynamic stability) indicates that this missense variant is not expected to disrupt POLA1 protein function with a negative predictive value of 80%. In summary, the available evidence is currently insufficient to determine the role of this variant in disease. Therefore, it has been classified as a Variant of Uncertain Significance.

Ambry Genetics
Classification: Uncertain significance for Inborn genetic diseases. Last evaluated: 2022-10-04. Review status: criteria provided, single submitter. Criteria: Ambry Variant Classification Scheme 2023. Collection method: clinical testing. Allele origin: germline.

NM_001330360.2(POLA1):c.3727A>G (p.Thr1243Ala)

Gene: POLA1 (DNA polymerase alpha 1, catalytic subunit; plus strand). Cytogenetic location: Xp22.11.
Variant type: single nucleotide variant.
Coding change: c.3727A>G on transcript NM_001330360.2 (MANE Select); coding-DNA position 3727, A replaced by G.
Protein change: p.Thr1243Ala; replaces threonine 1243 with alanine.
Molecular consequence: missense variant. On other transcripts: non-coding transcript variant (2).
Genome position (GRCh38, 1-based): chrX:24,826,592, A>G. VCF-style: chrX-24826592-A-G. GRCh37 (hg19) VCF-style: chrX-24844709-A-G.
Other names: c.3652A>G, p.Thr1218Ala (NM_001378303.1); c.3709A>G, p.Thr1237Ala (NM_016937.4); short protein forms T1237A, T1243A, T1218A.
Identifiers: ClinVar variation 1935870 (VCV001935870.6), dbSNP rs375778112, ClinGen allele CA10373602.
Genomic context (GRCh38, chrX:24,826,592, plus strand): 5'-CACCCAGTCGTGGCTCGGATCTGTGAACCAATAGACGGAATTGATGCTGTCCTCATTGCA[A>G]CGTGGTTGGGTAAGTGTCCCAAGCTCACATAGAACCTCACATGGTAACAGGGGCACATGT-3'
Protein context (NP_001317289.1, residues 1233-1253): IDGIDAVLIA[Thr1243Ala]WLGLDPTQFR